The following is an entry in ClinVar:

ClinVar aggregate classification (germline): Uncertain significance. Review status: criteria provided, multiple submitters, no conflicts (2 of 4 stars). 2 submissions from 2 submitters: Uncertain significance (2). Last evaluated 2025-11-06.

Conditions:
Hereditary cancer-predisposing syndrome. Also called: Hereditary neoplastic syndrome; Neoplastic Syndromes, Hereditary; Tumor predisposition; Hereditary Cancer Syndrome. Identifiers: Orphanet 140162, MedGen C0027672, MeSH D009386, MONDO:0015356.
Neuroblastoma, susceptibility to, 3. Also called: ALK-Related Neuroblastic Tumor Susceptibility. Identifiers: Orphanet 635, MedGen C2751681, MONDO:0013083, OMIM 613014.

Allele frequency attached by ClinVar (database versions not stated): gnomAD 0.00001.
gnomAD v4.1: 1 of 1,613,764 alleles (0.000062%); highest among the groups gnomAD compares: Admixed American, 0.0017%; no homozygotes.

Submissions (2):

Ambry Genetics
Classification: Uncertain significance for Hereditary cancer-predisposing syndrome. Last evaluated: 2025-11-06. Review status: criteria provided, single submitter. Criteria: Ambry Variant Classification Scheme 2023. Collection method: clinical testing. Allele origin: germline.
Comment: The p.E172K variant (also known as c.514G>A), located in coding exon 1 of the ALK gene, results from a G to A substitution at nucleotide position 514. The glutamic acid at codon 172 is replaced by lysine, an amino acid with similar properties. This amino acid position is well conserved in available vertebrate species. In addition, the in silico prediction for this alteration is inconclusive. Based on the available evidence, the clinical significance of this variant remains unclear.

Labcorp Genetics (formerly Invitae), Labcorp
Classification: Uncertain significance for Neuroblastoma, susceptibility to, 3. Last evaluated: 2023-06-24. Review status: criteria provided, single submitter. Criteria: Invitae Variant Classification Sherloc (09022015). Collection method: clinical testing. Allele origin: germline.
Comment: This variant is not present in population databases (gnomAD no frequency). This sequence change replaces glutamic acid, which is acidic and polar, with lysine, which is basic and polar, at codon 172 of the ALK protein (p.Glu172Lys). This variant has not been reported in the literature in individuals affected with ALK-related conditions. ClinVar contains an entry for this variant (Variation ID: 1025394). An algorithm developed to predict the effect of missense changes on protein structure and function (PolyPhen-2) suggests that this variant is likely to be tolerated. In summary, the available evidence is currently insufficient to determine the role of this variant in disease. Therefore, it has been classified as a Variant of Uncertain Significance.

NM_004304.5(ALK):c.514G>A (p.Glu172Lys)

Gene: ALK (ALK receptor tyrosine kinase; minus strand). Cytogenetic location: 2p23.1.
Variant type: single nucleotide variant.
Coding change: c.514G>A on transcript NM_004304.5 (MANE Select); coding-DNA position 514, G replaced by A.
Protein change: p.Glu172Lys; replaces glutamic acid 172 with lysine.
Molecular consequence: missense variant.
Genome position (GRCh38, 1-based): chr2:29,920,146, C>T on the plus strand (G>A on the coding strand, the complement: ALK is on the minus strand). VCF-style: chr2-29920146-C-T. GRCh37 (hg19) VCF-style: chr2-30143012-C-T.
Other names: c.514G>A (NM_004304.4); short protein forms E172K.
Identifiers: ClinVar variation 1025394 (VCV001025394.9), dbSNP rs1667950677, ClinGen allele CA346589900.
Genomic context (GRCh38, chr2:29,920,146, plus strand): 5'-CGGGCATCAGGCGGATCCTCAGTCGCCCTTCGCCTTGGCGAATCCACCAACTGAACAGCT[C>T]GCTGAGATTGAACTGGAGCAGCCCCACAGCCGCCTCCCCGGGGGGCCCGACGCAACCCTC-3'
Protein context (NP_004295.2, residues 162-182): AVGLLQFNLS[Glu172Lys]LFSWWIRQGE